The following is an entry in ClinVar:

NM_177438.3(DICER1):c.691A>T (p.Lys231Ter)

Gene: DICER1 (dicer 1, ribonuclease III; minus strand). Cytogenetic location: 14q32.13.
Variant type: single nucleotide variant.
Coding change: c.691A>T on transcript NM_177438.3 (MANE Select); coding-DNA position 691, A replaced by T.
Protein change: p.Lys231Ter; replaces lysine 231 with a stop codon.
Molecular consequence: nonsense. On other transcripts: 5 prime UTR variant (1), non-coding transcript variant (6).
Genome position (GRCh38, 1-based): chr14:95,129,515, T>A on the plus strand (A>T on the coding strand, the complement: DICER1 is on the minus strand). VCF-style: chr14-95129515-T-A. GRCh37 (hg19) VCF-style: chr14-95595852-T-A.
Other names: c.691A>T, p.Lys231Ter (NM_001195573.1, NM_001271282.3, NM_001291628.2 and 14 more transcripts); c.409A>T, p.Lys137Ter (NM_001395686.1); c.286A>T, p.Lys96Ter (NM_001395687.1, NM_001395688.1, NM_001395689.1 and 3 more transcripts); c.124A>T, p.Lys42Ter (NM_001395691.1); c.-878A>T (NM_001395697.1); short protein forms K42*, K137*, K96*, K231*.
Identifiers: ClinVar variation 3501965 (VCV003501965.3).

ClinVar aggregate classification (germline): Pathogenic. Review status: criteria provided, multiple submitters, no conflicts (2 of 4 stars). 2 submissions from 2 submitters: Pathogenic (2). Last evaluated 2024-11-27.

Conditions:
Hereditary cancer-predisposing syndrome. Also called: Hereditary Cancer Syndrome; Hereditary neoplastic syndrome; Neoplastic Syndromes, Hereditary; Tumor predisposition. Identifiers: Orphanet 140162, MedGen C0027672, MeSH D009386, MONDO:0015356.
DICER1-related tumor predisposition. Also called: DICER1-related pleuropulmonary blastoma cancer predisposition syndrome; DICER1 syndrome. Identifiers: Orphanet 284343, MedGen C3839822, MONDO:0100216.

Submissions (2):

Ambry Genetics
Classification: Pathogenic for Hereditary cancer-predisposing syndrome. Last evaluated: 2024-11-27. Review status: criteria provided, single submitter. Criteria: Ambry Variant Classification Scheme 2023. Collection method: clinical testing. Allele origin: germline.
Comment: The p.K231* pathogenic mutation (also known as c.691A>T), located in coding exon 5 of the DICER1 gene, results from an A to T substitution at nucleotide position 691. This changes the amino acid from a lysine to a stop codon within coding exon 5. This variant is considered to be rare based on population cohorts in the Genome Aggregation Database (gnomAD). This alteration is expected to result in loss of function by premature protein truncation or nonsense-mediated mRNA decay. As such, this alteration is interpreted as a disease-causing mutation.

Labcorp Genetics (formerly Invitae), Labcorp
Classification: Pathogenic for DICER1-related tumor predisposition. Last evaluated: 2024-04-13. Review status: criteria provided, single submitter. Criteria: Invitae Variant Classification Sherloc (09022015). Collection method: clinical testing. Allele origin: germline.
Comment: This sequence change creates a premature translational stop signal (p.Lys231*) in the DICER1 gene. It is expected to result in an absent or disrupted protein product. Loss-of-function variants in DICER1 are known to be pathogenic (PMID: 19556464, 21266384). This variant is not present in population databases (gnomAD no frequency). This variant has not been reported in the literature in individuals affected with DICER1-related conditions. Algorithms developed to predict the effect of sequence changes on RNA splicing suggest that this variant may disrupt the consensus splice site. For these reasons, this variant has been classified as Pathogenic.

Literature cited by the submitters: PubMed 19556464 (cited by Labcorp Genetics (formerly Invitae), Labcorp); PubMed 21266384 (cited by Labcorp Genetics (formerly Invitae), Labcorp).